The following is an entry in ClinVar:

NM_144997.7(FLCN):c.1047C>T (p.Leu349=)

Gene: FLCN (folliculin; minus strand). Cytogenetic location: 17p11.2.
Variant type: single nucleotide variant.
Coding change: c.1047C>T on transcript NM_144997.7 (MANE Select); coding-DNA position 1047, C replaced by T.
Protein change: p.Leu349=; no amino-acid change (leucine 349 retained).
Molecular consequence: synonymous variant.
Genome position (GRCh38, 1-based): chr17:17,219,034, G>A on the plus strand (C>T on the coding strand, the complement: FLCN is on the minus strand). VCF-style: chr17-17219034-G-A. GRCh37 (hg19) VCF-style: chr17-17122348-G-A.
Other names: c.1101C>T, p.Leu367= (NM_001353229.2); c.1047C>T, p.Leu349= (NM_001353230.2, NM_001353231.2).
Identifiers: ClinVar variation 788235 (VCV000788235.17), dbSNP rs1460704611, ClinGen allele CA498163501.

ClinVar aggregate classification (germline): Benign/Likely benign. Review status: criteria provided, multiple submitters, no conflicts (2 of 4 stars). 4 submissions from 4 submitters: Benign (1); Likely benign (3). Last evaluated 2026-01-31.

Conditions:
Hereditary cancer-predisposing syndrome. Also called: Neoplastic Syndromes, Hereditary; Hereditary neoplastic syndrome; Tumor predisposition; Hereditary Cancer Syndrome. Identifiers: Orphanet 140162, MedGen C0027672, MeSH D009386, MONDO:0015356.
Birt-Hogg-Dube syndrome. Also called: Birt Hogg Dubé syndrome. Identifiers: Orphanet 122, MedGen C0346010, MONDO:0800444.
Birt-Hogg-Dube syndrome 1 (BHD1). Also called: FIBROFOLLICULOMAS WITH TRICHODISCOMAS AND ACROCHORDONS. Identifiers: Orphanet 122, MedGen CN375946, MONDO:0800445, OMIM 135150.

Allele frequency attached by ClinVar (database versions not stated): gnomAD exomes below 0.00001; TOPMed below 0.00001; gnomAD 0.00001.
gnomAD v4.1: 2 of 1,613,650 alleles (0.00012%); highest among the groups gnomAD compares: Admixed American, 0.0017%; no homozygotes.

Submissions (4):

Labcorp Genetics (formerly Invitae), Labcorp
Classification: Likely benign for Birt-Hogg-Dube syndrome. Last evaluated: 2026-01-31. Review status: criteria provided, single submitter. Criteria: Invitae Variant Classification Sherloc (09022015). Collection method: clinical testing. Allele origin: germline.

Quest Diagnostics Nichols Institute San Juan Capistrano
Classification: Likely benign. Last evaluated: 2025-11-03. Review status: criteria provided, single submitter. Criteria: Quest Diagnostics criteria. Collection method: clinical testing. Allele origin: unknown.

Myriad Genetics, Inc.
Classification: Benign for Birt-Hogg-Dube syndrome 1. Last evaluated: 2024-10-23. Review status: criteria provided, single submitter. Criteria: Myriad Autosomal Dominant, Autosomal Recessive and X-Linked Classification Criteria (2023). Collection method: clinical testing. Allele origin: unknown.
Comment: This variant is considered benign. This variant is a silent/synonymous amino acid change and it is not expected to impact splicing.

Ambry Genetics
Classification: Likely benign for Hereditary cancer-predisposing syndrome. Last evaluated: 2018-09-06. Review status: criteria provided, single submitter. Criteria: Ambry Variant Classification Scheme 2023. Collection method: clinical testing. Allele origin: germline.